The following is an entry in ClinVar:

ClinVar aggregate classification (germline): Uncertain significance. Review status: criteria provided, multiple submitters, no conflicts (2 of 4 stars). 2 submissions from 2 submitters: Uncertain significance (2). Last evaluated 2026-04-07.

Conditions:
DOCK2 deficiency. Also called: Immunodeficiency 40. Identifiers: Orphanet 447737, MedGen C4225328, MONDO:0014637, OMIM 616433.

Allele frequency attached by ClinVar (database versions not stated): TOPMed 0.00014; ESP Exome Variant Server 0.00015; ExAC 0.00052.
gnomAD v4.1: 194 of 1,613,882 alleles (0.012%); highest among the groups gnomAD compares: African/African-American, 0.027%; no homozygotes.

Submissions (2):

Women's Health and Genetics/Laboratory Corporation of America, LabCorp
Classification: Uncertain significance. Last evaluated: 2026-04-07. Review status: criteria provided, single submitter. Criteria: LabCorp Variant Classification Summary - May 2015. Collection method: clinical testing. Allele origin: germline.

Labcorp Genetics (formerly Invitae), Labcorp
Classification: Uncertain significance for DOCK2 deficiency. Last evaluated: 2022-08-10. Review status: criteria provided, single submitter. Criteria: Invitae Variant Classification Sherloc (09022015). Collection method: clinical testing. Allele origin: germline.
Comment: This sequence change replaces valine, which is neutral and non-polar, with methionine, which is neutral and non-polar, at codon 466 of the DOCK2 protein (p.Val466Met). This variant is present in population databases (rs200560235, gnomAD 0.05%). This variant has not been reported in the literature in individuals affected with DOCK2-related conditions. ClinVar contains an entry for this variant (Variation ID: 937401). Algorithms developed to predict the effect of missense changes on protein structure and function (SIFT, PolyPhen-2, Align-GVGD) all suggest that this variant is likely to be tolerated. In summary, the available evidence is currently insufficient to determine the role of this variant in disease. Therefore, it has been classified as a Variant of Uncertain Significance.

NM_004946.3(DOCK2):c.1396G>A (p.Val466Met)

Gene: DOCK2 (dedicator of cytokinesis 2; plus strand). Cytogenetic location: 5q35.1.
Variant type: single nucleotide variant.
Coding change: c.1396G>A on transcript NM_004946.3 (MANE Select); coding-DNA position 1396, G replaced by A.
Protein change: p.Val466Met; replaces valine 466 with methionine.
Molecular consequence: missense variant. On other transcripts: non-coding transcript variant (1).
Genome position (GRCh38, 1-based): chr5:169,708,181, G>A. VCF-style: chr5-169708181-G-A. GRCh37 (hg19) VCF-style: chr5-169135185-G-A.
Other names: short protein forms V466M.
Identifiers: ClinVar variation 937401 (VCV000937401.6), dbSNP rs200560235, ClinGen allele CA3553461.